The following is an entry in ClinVar:

ClinVar aggregate classification (germline): Likely pathogenic (1 of 4 stars; one submission).

Conditions:
Warts, hypogammaglobulinemia, infections, and myelokathexis. Also called: WHIM syndrome. Identifiers: MedGen C0472817, MONDO:0023880.

Submission:

Labcorp Genetics (formerly Invitae), Labcorp
Classification: Likely pathogenic for Warts, hypogammaglobulinemia, infections, and myelokathexis. Last evaluated: 2025-08-21. Review status: criteria provided, single submitter. Criteria: Invitae Variant Classification Sherloc (09022015). Collection method: clinical testing. Allele origin: germline.
Comment: This sequence change is expected to alter the c-terminus of the CXCR4 protein (p.His337Ilefs*29). While this is not anticipated to result in nonsense mediated decay, it is expected to disrupt the last 16 amino acid(s) of the CXCR4 protein and extend the protein by 12 additional amino acid residues. This variant is not present in population databases (gnomAD no frequency). This variant has not been reported in the literature in individuals affected with CXCR4-related conditions. ClinVar contains an entry for this variant (Variation ID: 3662896). Experimental studies and prediction algorithms are not available or were not evaluated, and the functional significance of this variant is currently unknown. This variant is located in a region of the CXCR4 protein where a significant number of CXCR4 nonsense and frameshift mutations have been reported in association with autosomal dominant WHIM syndrome (PMID: 31313072, 32784523, 35947323, 36089616). In summary, the currently available evidence indicates that the variant is pathogenic, but additional data are needed to prove that conclusively. Therefore, this variant has been classified as Likely Pathogenic.

Literature cited by the submitters: PubMed 31313072; PubMed 32784523; PubMed 35947323; PubMed 36089616.

NM_003467.3(CXCR4):c.1009del (p.His337fs)

Gene: CXCR4 (C-X-C motif chemokine receptor 4; minus strand). Cytogenetic location: 2q22.1.
Variant type: Deletion.
Coding change: c.1009del on transcript NM_003467.3 (MANE Select); coding-DNA position 1009, one base deleted (C; older notation c.1009delC).
Protein change: p.His337fs; shifts the reading frame from histidine 337.
Molecular consequence: frameshift variant.
Genome position (GRCh38, 1-based): chr2:136,114,919, G deleted on the plus strand (C on the coding strand, the reverse complement: CXCR4 is on the minus strand). VCF-style (leftmost placement, unchanged base first): chr2-136114918-TG-T. GRCh37 (hg19) VCF-style: chr2-136872488-TG-T.
Other names: c.1021del, p.His341fs (NM_001008540.2); c.1222del, p.His408fs (NM_001348056.2); c.1108del, p.His370fs (NM_001348059.2); c.964del, p.His322fs (NM_001348060.2); short protein forms H322fs, H408fs, H341fs, H337fs, H370fs.
Identifiers: ClinVar variation 3662896 (VCV003662896.2).